The following is an entry in ClinVar:

NM_006514.4(SCN10A):c.3804+6del

Gene: SCN10A (sodium voltage-gated channel alpha subunit 10; minus strand). Cytogenetic location: 3p22.2.
Variant type: Deletion.
Coding change: c.3804+6del on transcript NM_006514.4 (MANE Select); 6 bases into the intron after coding-DNA position 3804, one base deleted (T; older notation c.3804+6delT).
Molecular consequence: intron variant.
Genome position (GRCh38, 1-based): chr3:38,713,952, A deleted on the plus strand (T on the coding strand, the reverse complement: SCN10A is on the minus strand). VCF-style (leftmost placement, unchanged base first): chr3-38713951-GA-G. GRCh37 (hg19) VCF-style: chr3-38755442-GA-G.
Other names: c.3510+6del (NM_001293307.2); c.3801+6del (NM_001293306.2); c.3804+6delT (NM_006514.3).
Identifiers: ClinVar variation 940294 (VCV000940294.11), dbSNP rs549795936, ClinGen allele CA2320110.

ClinVar aggregate classification (germline): Conflicting classifications of pathogenicity. Review status: criteria provided, conflicting classifications (1 of 4 stars). 4 submissions from 4 submitters: Uncertain significance (1); Likely benign (2). 1 of the submissions does not count toward it. Last evaluated 2025-12-03.

Conditions:
SCN10A-related disorder. Also called: SCN10A-related condition.
Cardiovascular phenotype. Identifiers: MedGen CN230736.
Brugada syndrome. Also called: Sudden unexpected nocturnal death syndrome; Sudden unexplained nocturnal death syndrome; Sudden Unexplained Death Syndrome; Sudden Unexplained Nocturnal Death Syndrome (SUNDS). Identifiers: Orphanet 130, MedGen C1142166, MONDO:0015263.

Allele frequency attached by ClinVar (database versions not stated): gnomAD exomes 0.00002 and 0.00010; gnomAD 0.00005 and 0.00007; TOPMed 0.00008; ExAC 0.00011; 1000 Genomes Project 30x 0.00047; 1000 Genomes Project 0.00060.

Submissions (4):

Labcorp Genetics (formerly Invitae), Labcorp
Classification: Uncertain significance for Brugada syndrome. Last evaluated: 2025-12-03. Review status: criteria provided, single submitter. Criteria: Invitae Variant Classification Sherloc (09022015). Collection method: clinical testing. Allele origin: germline.
Comment: This sequence change falls in intron 21 of the SCN10A gene. It does not directly change the encoded amino acid sequence of the SCN10A protein. It affects a nucleotide within the consensus splice site. This variant is present in population databases (rs549795936, gnomAD 0.1%). This variant has not been reported in the literature in individuals affected with SCN10A-related conditions. ClinVar contains an entry for this variant (Variation ID: 940294). Variants that disrupt the consensus splice site are a relatively common cause of aberrant splicing (PMID: 17576681, 9536098). Algorithms developed to predict the effect of sequence changes on RNA splicing suggest that this variant is not likely to affect RNA splicing. In summary, the available evidence is currently insufficient to determine the role of this variant in disease. Therefore, it has been classified as a Variant of Uncertain Significance.

Blueprint Genetics
Classification: Likely benign. Last evaluated: 2024-07-19. Review status: criteria provided, single submitter. Criteria: ACMG Guidelines, 2015. Collection method: clinical testing. Allele origin: germline.

Ambry Genetics
Classification: Likely benign for Cardiovascular phenotype. Last evaluated: 2020-08-31. Review status: criteria provided, single submitter. Criteria: Ambry Variant Classification Scheme 2023. Collection method: clinical testing. Allele origin: germline.

PreventionGenetics, part of Exact Sciences
Classification: Likely benign for SCN10A-related condition. Last evaluated: 2019-05-08. Review status: no assertion criteria provided. Collection method: clinical testing. Allele origin: germline. Not counted in ClinVar's aggregate classification.
Comment: This variant is classified as likely benign based on ACMG/AMP sequence variant interpretation guidelines (Richards et al. 2015 PMID: 25741868, with internal and published modifications).

Literature cited by the submitters: PubMed 17576681 (cited by Labcorp Genetics (formerly Invitae), Labcorp); PubMed 9536098 (cited by Labcorp Genetics (formerly Invitae), Labcorp).